The following is an entry in ClinVar:

ClinVar aggregate classification (germline): Likely benign (1 of 4 stars; one submission).

Allele frequency attached by ClinVar (database versions not stated): TOPMed below 0.00001; gnomAD exomes 0.00001; ExAC 0.00002.
gnomAD v4.1: 5 of 1,614,056 alleles (0.00031%); highest among the groups gnomAD compares: East Asian, 0.0022%; no homozygotes.

Submission:

CeGaT Center for Human Genetics Tuebingen
Classification: Likely benign. Last evaluated: 2026-01-01. Review status: criteria provided, single submitter. Criteria: CeGaT Center For Human Genetics Tuebingen Variant Classification Criteria Version 2. Collection method: clinical testing. Allele origin: germline. Affected: yes. Observed: 2 variant alleles.
Comment: EIF3F: BP4, BP7

NM_003754.3(EIF3F):c.519C>T (p.Tyr173=)

Gene: EIF3F (eukaryotic translation initiation factor 3 subunit F; plus strand). Cytogenetic location: 11p15.4.
Variant type: single nucleotide variant.
Coding change: c.519C>T on transcript NM_003754.3 (MANE Select); coding-DNA position 519, C replaced by T.
Protein change: p.Tyr173=; no amino-acid change (tyrosine 173 retained).
Molecular consequence: synonymous variant.
Genome position (GRCh38, 1-based): chr11:7,992,890, C>T. VCF-style: chr11-7992890-C-T. GRCh37 (hg19) VCF-style: chr11-8014437-C-T.
Identifiers: ClinVar variation 3026230 (VCV003026230.22), dbSNP rs777683450, ClinGen allele CA5870577.